The following is an entry in ClinVar:

ClinVar aggregate classification (germline): Uncertain significance (1 of 4 stars; one submission).

Conditions:
Tuberous sclerosis 2 (TSC2). Identifiers: Orphanet 805, MedGen C1860707, MONDO:0013199, OMIM 613254.

Submission:

Otogenetics
Classification: Uncertain significance for Tuberous sclerosis 2. Last evaluated: 2026-03-19. Review status: criteria provided, single submitter. Criteria: ACMG Guidelines, 2015. Collection method: clinical testing. Allele origin: germline.
Comment: PM2: Variant not observed in gnomAD (<0.05% threshold)

NM_000548.5(TSC2):c.3421G>C (p.Ala1141Pro)

Gene: TSC2 (TSC complex subunit 2; plus strand). Cytogenetic location: 16p13.3.
Variant type: single nucleotide variant.
Coding change: c.3421G>C on transcript NM_000548.5 (MANE Select); coding-DNA position 3421, G replaced by C.
Protein change: p.Ala1141Pro; replaces alanine 1141 with proline.
Molecular consequence: missense variant. On other transcripts: non-coding transcript variant (5).
Genome position (GRCh38, 1-based): chr16:2,080,188, G>C. VCF-style: chr16-2080188-G-C. GRCh37 (hg19) VCF-style: chr16-2130189-G-C.
Other names: c.3277G>C, p.Ala1093Pro (NM_001406673.1); c.3274G>C, p.Ala1092Pro (NM_001406675.1); c.3271G>C, p.Ala1091Pro (NM_001406676.1); c.3232G>C, p.Ala1078Pro (NM_001406677.1); c.3178G>C, p.Ala1060Pro (NM_001406678.1); c.3142G>C, p.Ala1048Pro (NM_001406679.1); c.2821G>C, p.Ala941Pro (NM_001406680.1, NM_001406682.1, NM_001406683.1); c.2830G>C, p.Ala944Pro (NM_001406681.1); and 18 more; short protein forms A1048P, A1049P, A1060P, A1061P, A1078P, A1091P, A1092P, A1093P.
Identifiers: ClinVar variation 4819684 (VCV004819684.1).